The following is an entry in ClinVar:

NM_000361.3(THBD):c.257T>C (p.Leu86Pro)

Gene: THBD (thrombomodulin; minus strand). Cytogenetic location: 20p11.21.
Variant type: single nucleotide variant.
Coding change: c.257T>C on transcript NM_000361.3 (MANE Select); coding-DNA position 257, T replaced by C.
Protein change: p.Leu86Pro; replaces leucine 86 with proline.
Molecular consequence: missense variant.
Genome position (GRCh38, 1-based): chr20:23,049,248, A>G on the plus strand (T>C on the coding strand, the complement: THBD is on the minus strand). VCF-style: chr20-23049248-A-G. GRCh37 (hg19) VCF-style: chr20-23029885-A-G.
Other names: short protein forms L86P.
Identifiers: ClinVar variation 1941084 (VCV001941084.6), dbSNP rs879414468, ClinGen allele CA313552293.

ClinVar aggregate classification (germline): Uncertain significance. Review status: criteria provided, multiple submitters, no conflicts (2 of 4 stars). 2 submissions from 2 submitters: Uncertain significance (2). Last evaluated 2024-12-02.

Conditions:
Atypical hemolytic-uremic syndrome with thrombomodulin anomaly. Also called: HEMOLYTIC UREMIC SYNDROME, ATYPICAL, SUSCEPTIBILITY TO, 6; AHUS, SUSCEPTIBILITY TO, 6. Identifiers: MedGen C2752036, MONDO:0013044, OMIM 612926. Disease mechanism: gain of function.
Thrombomodulin-related bleeding disorder (THPH12). Also called: Thrombophilia due to thrombomodulin defect. Identifiers: Orphanet 436169, MedGen C3280976, MONDO:0013775, OMIM 614486.

Allele frequency attached by ClinVar (database versions not stated): gnomAD exomes below 0.00001; TOPMed below 0.00001.
gnomAD v4.1: 1 of 1,545,382 alleles (0.000065%); highest among the groups gnomAD compares: Admixed American, 0.0021%; no homozygotes.

Submissions (2):

Labcorp Genetics (formerly Invitae), Labcorp
Classification: Uncertain significance. Last evaluated: 2024-12-02. Review status: criteria provided, single submitter. Criteria: Invitae Variant Classification Sherloc (09022015). Collection method: clinical testing. Allele origin: germline.
Comment: This sequence change replaces leucine, which is neutral and non-polar, with proline, which is neutral and non-polar, at codon 86 of the THBD protein (p.Leu86Pro). This variant is present in population databases (no rsID available, gnomAD 0.005%). This variant has not been reported in the literature in individuals affected with THBD-related conditions. ClinVar contains an entry for this variant (Variation ID: 1941084). Invitae Evidence Modeling of protein sequence and biophysical properties (such as structural, functional, and spatial information, amino acid conservation, physicochemical variation, residue mobility, and thermodynamic stability) indicates that this missense variant is not expected to disrupt THBD protein function with a negative predictive value of 80%. In summary, the available evidence is currently insufficient to determine the role of this variant in disease. Therefore, it has been classified as a Variant of Uncertain Significance.

Fulgent Genetics
Classification: Uncertain significance for Atypical hemolytic-uremic syndrome with thrombomodulin anomaly; Thrombomodulin-related bleeding disorder. Last evaluated: 2024-03-11. Review status: criteria provided, single submitter. Criteria: ACMG Guidelines, 2015. Collection method: clinical testing. Allele origin: germline.